The following is an entry in ClinVar:

ClinVar aggregate classification (germline): Uncertain significance (1 of 4 stars; one submission).

Submission:

CeGaT Center for Human Genetics Tuebingen
Classification: Uncertain significance. Last evaluated: 2026-08-01. Review status: criteria provided, single submitter. Criteria: CeGaT Center For Human Genetics Tuebingen Variant Classification Criteria Version 2. Collection method: clinical testing. Allele origin: germline. Affected: yes. Observed: 1 variant allele.
Comment: KLF7: PM2

NM_003709.4(KLF7):c.296T>C (p.Leu99Pro)

Gene: KLF7 (KLF transcription factor 7; minus strand). Cytogenetic location: 2q33.3.
Variant type: single nucleotide variant.
Coding change: c.296T>C on transcript NM_003709.4 (MANE Select); coding-DNA position 296, T replaced by C.
Protein change: p.Leu99Pro; replaces leucine 99 with proline.
Molecular consequence: missense variant.
Genome position (GRCh38, 1-based): chr2:207,124,211, A>G on the plus strand (T>C on the coding strand, the complement: KLF7 is on the minus strand). VCF-style: chr2-207124211-A-G. GRCh37 (hg19) VCF-style: chr2-207988935-A-G.
Other names: c.296T>C, p.Leu99Pro (NM_001270942.1, NM_001438026.1); c.197T>C, p.Leu66Pro (NM_001270943.2); c.212T>C, p.Leu71Pro (NM_001270944.2); short protein forms L66P, L71P, L99P.
Identifiers: ClinVar variation 5040425 (VCV005040425.1).